The following is an entry in ClinVar:

NM_004519.4(KCNQ3):c.1799+1G>C

Gene: KCNQ3 (potassium voltage-gated channel subfamily Q member 3; minus strand). Cytogenetic location: 8q24.22.
Variant type: single nucleotide variant.
Coding change: c.1799+1G>C on transcript NM_004519.4 (MANE Select); the canonical splice donor site of the intron after coding-DNA position 1799, G replaced by C.
Molecular consequence: splice donor variant.
Genome position (GRCh38, 1-based): chr8:132,134,289, C>G on the plus strand (G>C on the coding strand, the complement: KCNQ3 is on the minus strand). VCF-style: chr8-132134289-C-G. GRCh37 (hg19) VCF-style: chr8-133146536-C-G.
Other names: c.1439+1G>C (NM_001204824.2).
Identifiers: ClinVar variation 3714015 (VCV003714015.2).

ClinVar aggregate classification (germline): Likely pathogenic (1 of 4 stars; one submission).

Conditions:
Benign neonatal seizures. Also called: Convulsions benign familial neonatal dominant form; Autosomal dominant form of benign neonatal seizures; Benign neonatal familial convulsions; Benign familial neonatal epilepsy; Benign familial neonatal seizures. Identifiers: Orphanet 1949, MedGen C0220669, MONDO:0016027.

Submission:

Labcorp Genetics (formerly Invitae), Labcorp
Classification: Likely pathogenic for Benign neonatal seizures. Last evaluated: 2025-09-02. Review status: criteria provided, single submitter. Criteria: Invitae Variant Classification Sherloc (09022015). Collection method: clinical testing. Allele origin: germline.
Comment: This sequence change affects a donor splice site in intron 13 of the KCNQ3 gene. It is expected to disrupt RNA splicing. Variants that disrupt the donor or acceptor splice site typically lead to a loss of protein function (PMID: 16199547), and loss-of-function variants in KCNQ3 are known to be pathogenic (PMID: 29383681, 29852413). This variant is not present in population databases (gnomAD no frequency). This variant has not been reported in the literature in individuals affected with KCNQ3-related conditions. ClinVar contains an entry for this variant (Variation ID: 3714015). Algorithms developed to predict the effect of sequence changes on RNA splicing suggest that this variant may disrupt the consensus splice site. In summary, the currently available evidence indicates that the variant is pathogenic, but additional data are needed to prove that conclusively. Therefore, this variant has been classified as Likely Pathogenic.

Literature cited by the submitters: PubMed 16199547; PubMed 29383681; PubMed 29852413.